The following is an entry in ClinVar:

ClinVar aggregate classification (germline): Uncertain significance (1 of 4 stars; one submission).

Submission:

CeGaT Center for Human Genetics Tuebingen
Classification: Uncertain significance. Last evaluated: 2026-05-01. Review status: criteria provided, single submitter. Criteria: CeGaT Center For Human Genetics Tuebingen Variant Classification Criteria Version 2. Collection method: clinical testing. Allele origin: germline. Affected: yes. Observed: 1 variant allele.
Comment: FBXW11: PM2

NM_001378974.1(FBXW11):c.477C>A (p.Tyr159Ter)

Gene: FBXW11 (F-box and WD repeat domain containing 11; minus strand). Cytogenetic location: 5q35.1.
Variant type: single nucleotide variant.
Coding change: c.477C>A on transcript NM_001378974.1 (MANE Select); coding-DNA position 477, C replaced by A.
Protein change: p.Tyr159Ter; replaces tyrosine 159 with a stop codon.
Molecular consequence: nonsense.
Genome position (GRCh38, 1-based): chr5:171,900,060, G>T on the plus strand (C>A on the coding strand, the complement: FBXW11 is on the minus strand). VCF-style: chr5-171900060-G-T. GRCh37 (hg19) VCF-style: chr5-171327064-G-T.
Other names: c.408C>A, p.Tyr136Ter (NM_001378975.1); c.381C>A, p.Tyr127Ter (NM_001378976.1); c.318C>A, p.Tyr106Ter (NM_001378977.1, NM_001378978.1, NM_001378979.1); c.312C>A, p.Tyr104Ter (NM_001378980.1, NM_033645.3); c.414C>A, p.Tyr138Ter (NM_012300.3); c.375C>A, p.Tyr125Ter (NM_033644.3); short protein forms Y104*, Y106*, Y125*, Y127*, Y136*, Y138*, Y159*.
Identifiers: ClinVar variation 4874917 (VCV004874917.2).